The following is an entry in ClinVar:

ClinVar aggregate classification (germline): Uncertain significance. Review status: criteria provided, multiple submitters, no conflicts (2 of 4 stars). 5 submissions from 4 submitters: Uncertain significance (5). Last evaluated 2025-12-15.

Conditions:
Corneal dystrophy. Identifiers: Orphanet 34533, MedGen C0010036, MONDO:0018102, HP:0001131.
Bietti crystalline corneoretinal dystrophy (BCD). Also called: Bietti Crystalline Dystrophy; BIETTI TAPETORETINAL DEGENERATION WITH MARGINAL CORNEAL DYSTROPHY. Identifiers: Orphanet 41751, MedGen C1859486, MONDO:0008865, OMIM 210370.
Inborn genetic diseases. Identifiers: MedGen C0950123, MeSH D030342.

Allele frequency attached by ClinVar (database versions not stated): 1000 Genomes Project 30x 0.00016; gnomAD 0.00019 and 0.00021; 1000 Genomes Project 0.00020; ExAC 0.00020; gnomAD exomes 0.00021; TOPMed 0.00029; ESP Exome Variant Server 0.00031.
gnomAD v4.1: 586 of 1,614,196 alleles (0.036%); highest among the groups gnomAD compares: Non-Finnish European, 0.047%; no homozygotes.

Submissions (5):

Labcorp Genetics (formerly Invitae), Labcorp
Classification: Uncertain significance. Last evaluated: 2025-12-15. Review status: criteria provided, single submitter. Criteria: Invitae Variant Classification Sherloc (09022015). Collection method: clinical testing. Allele origin: germline.
Comment: This sequence change replaces arginine, which is basic and polar, with histidine, which is basic and polar, at codon 368 of the CYP4V2 protein (p.Arg368His). This variant is present in population databases (rs138739819, gnomAD 0.04%). This variant has not been reported in the literature in individuals affected with CYP4V2-related conditions. ClinVar contains an entry for this variant (Variation ID: 900664). An algorithm developed to predict the effect of missense changes on protein structure and function outputs the following: PolyPhen-2: "Benign". The histidine amino acid residue is found in multiple mammalian species, which suggests that this missense change does not adversely affect protein function. In summary, the available evidence is currently insufficient to determine the role of this variant in disease. Therefore, it has been classified as a Variant of Uncertain Significance.

Blueprint Genetics
Classification: Uncertain significance. Last evaluated: 2024-10-10. Review status: criteria provided, single submitter. Criteria: ACMG Guidelines, 2015. Collection method: clinical testing. Allele origin: germline.

Ambry Genetics
Classification: Uncertain significance for Inborn genetic diseases. Last evaluated: 2024-04-23. Review status: criteria provided, single submitter. Criteria: Ambry Variant Classification Scheme 2023. Collection method: clinical testing. Allele origin: germline.

Illumina Laboratory Services, Illumina
Classification: Uncertain significance for Bietti crystalline corneoretinal dystrophy. Last evaluated: 2017-04-27. Review status: criteria provided, single submitter. Criteria: ICSL Variant Classification Criteria 13 December 2019. Collection method: clinical testing. Allele origin: germline.

Illumina Laboratory Services, Illumina
Classification: Uncertain significance for Corneal dystrophy. Last evaluated: 2017-04-27. Review status: criteria provided, single submitter. Criteria: ICSL Variant Classification Criteria 13 December 2019. Collection method: clinical testing. Allele origin: germline.

NM_207352.4(CYP4V2):c.1103G>A (p.Arg368His)

Gene: CYP4V2 (cytochrome P450 family 4 subfamily V member 2; plus strand). Cytogenetic location: 4q35.2.
Variant type: single nucleotide variant.
Coding change: c.1103G>A on transcript NM_207352.4 (MANE Select); coding-DNA position 1103, G replaced by A.
Protein change: p.Arg368His; replaces arginine 368 with histidine.
Molecular consequence: missense variant.
Genome position (GRCh38, 1-based): chr4:186,208,877, G>A. VCF-style: chr4-186208877-G-A. GRCh37 (hg19) VCF-style: chr4-187130031-G-A.
Other names: short protein forms R368H.
Identifiers: ClinVar variation 900664 (VCV000900664.11), dbSNP rs138739819, ClinGen allele CA3162763.